The following is an entry in ClinVar:

NM_025132.4(WDR19):c.1328T>C (p.Leu443Pro)

Gene: WDR19 (WD repeat domain 19; plus strand). Cytogenetic location: 4p14.
Variant type: single nucleotide variant.
Coding change: c.1328T>C on transcript NM_025132.4 (MANE Select); coding-DNA position 1328, T replaced by C.
Protein change: p.Leu443Pro; replaces leucine 443 with proline.
Molecular consequence: missense variant.
Genome position (GRCh38, 1-based): chr4:39,217,212, T>C. VCF-style: chr4-39217212-T-C. GRCh37 (hg19) VCF-style: chr4-39218832-T-C.
Other names: c.848T>C, p.Leu283Pro (NM_001317924.2); short protein forms L283P, L443P.
Identifiers: ClinVar variation 941718 (VCV000941718.9), dbSNP rs1729154313, ClinGen allele CA356630938.
Genomic context (GRCh38, chr4:39,217,212, plus strand): 5'-ATATGGAGTATCTGGGAACAGTAGCCAGTATTTGCCTTCATTCTGACTATGCTGCTGCAC[T>C]TTTTGAAGGCAAAGTCCAGTTACATTTGGTAAGTATAATTTTGATGTCCTGGAGACGCGC-3'
Protein context (NP_079408.3, residues 433-453): ICLHSDYAAA[Leu443Pro]FEGKVQLHLI

ClinVar aggregate classification (germline): Uncertain significance (1 of 4 stars; one submission).

Conditions:
Asphyxiating thoracic dystrophy 5 (SRTD5). Also called: SHORT-RIB THORACIC DYSPLASIA 5 WITH OR WITHOUT POLYDACTYLY; SHORT-RIB THORACIC DYSPLASIA 5 WITHOUT POLYDACTYLY. Identifiers: Orphanet 474, MedGen C3280598, MONDO:0013717, OMIM 614376.
Senior-Loken syndrome 8 (SLSN8). Identifiers: Orphanet 3156, MedGen C4225376, MONDO:0014579, OMIM 616307.

Allele frequency attached by ClinVar (database versions not stated): gnomAD exomes below 0.00001.
gnomAD v4.1: 1 of 1,604,904 alleles (0.000062%); highest among the groups gnomAD compares: Non-Finnish European, 0.000085%; no homozygotes.

Submission:

Labcorp Genetics (formerly Invitae), Labcorp
Classification: Uncertain significance for Senior-Loken syndrome 8; Asphyxiating thoracic dystrophy 5. Last evaluated: 2019-09-07. Review status: criteria provided, single submitter. Criteria: Invitae Variant Classification Sherloc (09022015). Collection method: clinical testing. Allele origin: germline.
Comment: This variant is not present in population databases (ExAC no frequency). This sequence change replaces leucine with proline at codon 443 of the WDR19 protein (p.Leu443Pro). The leucine residue is highly conserved and there is a moderate physicochemical difference between leucine and proline. This variant has not been reported in the literature in individuals with WDR19-related conditions. Algorithms developed to predict the effect of missense changes on protein structure and function are either unavailable or do not agree on the potential impact of this missense change (SIFT: "Deleterious"; PolyPhen-2: "Probably Damaging"; Align-GVGD: "Class C0"). In summary, the available evidence is currently insufficient to determine the role of this variant in disease. Therefore, it has been classified as a Variant of Uncertain Significance.